The following is an entry in ClinVar:

ClinVar aggregate classification (germline): Uncertain significance (1 of 4 stars; one submission).

gnomAD v4.1: 3 of 1,613,898 alleles (0.00019%); highest among the groups gnomAD compares: Admixed American, 0.005%; no homozygotes.

Submission:

Labcorp Genetics (formerly Invitae), Labcorp
Classification: Uncertain significance. Last evaluated: 2026-01-26. Review status: criteria provided, single submitter. Criteria: Invitae Variant Classification Sherloc (09022015). Collection method: clinical testing. Allele origin: germline.
Comment: This sequence change replaces leucine, which is neutral and non-polar, with isoleucine, which is neutral and non-polar, at codon 1198 of the SLC12A2 protein (p.Leu1198Ile). This variant is present in population databases (no rsID available, gnomAD 0.009%). This variant has not been reported in the literature in individuals affected with SLC12A2-related conditions. ClinVar contains an entry for this variant (Variation ID: 1953947). Invitae Evidence Modeling of protein sequence and biophysical properties (such as structural, functional, and spatial information, amino acid conservation, physicochemical variation, residue mobility, and thermodynamic stability) indicates that this missense variant is not expected to disrupt SLC12A2 protein function with a negative predictive value of 95%. In summary, the available evidence is currently insufficient to determine the role of this variant in disease. Therefore, it has been classified as a Variant of Uncertain Significance.

NM_001046.3(SLC12A2):c.3592C>A (p.Leu1198Ile)

Gene: SLC12A2 (solute carrier family 12 member 2; plus strand). Cytogenetic location: 5q23.3.
Variant type: single nucleotide variant.
Coding change: c.3592C>A on transcript NM_001046.3 (MANE Select); coding-DNA position 3592, C replaced by A.
Protein change: p.Leu1198Ile; replaces leucine 1198 with isoleucine.
Molecular consequence: missense variant. On other transcripts: non-coding transcript variant (1).
Genome position (GRCh38, 1-based): chr5:128,186,584, C>A. VCF-style: chr5-128186584-C-A. GRCh37 (hg19) VCF-style: chr5-127522276-C-A.
Other names: c.3544C>A, p.Leu1182Ile (NM_001256461.2); short protein forms L1198I, L1182I.
Identifiers: ClinVar variation 1953947 (VCV001953947.3), dbSNP rs1234668020, ClinGen allele CA360743201.